The following is an entry in ClinVar:

NM_020800.3(IFT80):c.551G>A (p.Trp184Ter)

Genes: TRIM59-IFT80 (TRIM59-IFT80 readthrough (NMD candidate); minus strand), IFT80 (intraflagellar transport 80; minus strand). Cytogenetic location: 3q25.33.
Variant type: single nucleotide variant.
Coding change: c.551G>A on transcript NM_020800.3 (MANE Select); coding-DNA position 551, G replaced by A.
Protein change: p.Trp184Ter; replaces tryptophan 184 with a stop codon.
Molecular consequence: nonsense. On other transcripts: non-coding transcript variant (3).
Genome position (GRCh38, 1-based): chr3:160,357,577, C>T on the plus strand (G>A on the coding strand, the complement: IFT80 is on the minus strand). VCF-style: chr3-160357577-C-T. GRCh37 (hg19) VCF-style: chr3-160075365-C-T.
Other names: c.140G>A, p.Trp47Ter (NM_001190241.2, NM_001190242.2); short protein forms W47*, W184*.
Identifiers: ClinVar variation 1453252 (VCV001453252.6), dbSNP rs1182330004, ClinGen allele CA355193168.
Genomic context (GRCh38, chr3:160,357,577, plus strand): 5'-AAAATAAGATCATTGACCGAGTTCCAATCTACTTTTAAAATAATGCCATCATGAGCTTTC[C>T]ACTGTGAGAAAAAAGAATAAGATATTAATTATAAGTTTAAAAGCACTTAAGTTTTTTTCT-3'

ClinVar aggregate classification (germline): Pathogenic (1 of 4 stars; one submission).

Conditions:
Jeune thoracic dystrophy. Also called: Short-rib thoracic dysplasia; Jeune syndrome; Infantile thoracic dystrophy; Thoracic pelvic phalangeal dystrophy; Jeune's syndrome; Chondroectodermal dysplasia-like syndrome. Identifiers: Orphanet 474, MedGen C0265275, MONDO:0018770.

Allele frequency attached by ClinVar (database versions not stated): gnomAD exomes below 0.00001 and 0.00001.
gnomAD v4.1: 16 of 1,578,276 alleles (0.001%); highest among the groups gnomAD compares: Non-Finnish European, 0.0013%; no homozygotes.

Submission:

Labcorp Genetics (formerly Invitae), Labcorp
Classification: Pathogenic for Jeune thoracic dystrophy. Last evaluated: 2025-05-05. Review status: criteria provided, single submitter. Criteria: Invitae Variant Classification Sherloc (09022015). Collection method: clinical testing. Allele origin: germline.
Comment: This sequence change creates a premature translational stop signal (p.Trp184*) in the IFT80 gene. It is expected to result in an absent or disrupted protein product. Loss-of-function variants in IFT80 are known to be pathogenic (PMID: 21227999, 23339108, 29068549). This variant is present in population databases (no rsID available, gnomAD 0.0009%). This variant has not been reported in the literature in individuals affected with IFT80-related conditions. ClinVar contains an entry for this variant (Variation ID: 1453252). Algorithms developed to predict the effect of sequence changes on RNA splicing suggest that this variant may create or strengthen a splice site. For these reasons, this variant has been classified as Pathogenic.

Literature cited by the submitters: PubMed 21227999; PubMed 23339108; PubMed 29068549.